The following is an entry in ClinVar:

ClinVar aggregate classification (germline): Likely benign. Review status: criteria provided, multiple submitters, no conflicts (2 of 4 stars). 3 submissions from 3 submitters: Likely benign (2). 1 of the submissions does not count toward it. Last evaluated 2024-03-12.

Conditions:
TMEM67-related disorder. Also called: TMEM67-related disorders; TMEM67-related condition. Identifiers: MedGen CN239423.
Joubert syndrome. Also called: Familial aplasia of the vermis; JOUBERT-BOLTSHAUSER SYNDROME. Identifiers: Orphanet 475, MedGen C5979921, MONDO:0018772.
Meckel-Gruber syndrome. Also called: DYSENCEPHALIA SPLANCHNOCYSTICA; GRUBER SYNDROME; Dysencephalia splachnocystica. Identifiers: Orphanet 564, MedGen C0265215, MONDO:0018921.

Allele frequency attached by ClinVar (database versions not stated): ExAC 0.00002; gnomAD exomes 0.00004 and 0.00007; gnomAD 0.00005 and 0.00006; TOPMed 0.00008; ESP Exome Variant Server 0.00015; 1000 Genomes Project 30x 0.00016; 1000 Genomes Project 0.00020.
gnomAD v4.1: 114 of 1,613,252 alleles (0.0071%); highest among the groups gnomAD compares: Admixed American, 0.01%; no homozygotes.

Submissions (3):

Labcorp Genetics (formerly Invitae), Labcorp
Classification: Likely benign for Joubert syndrome; Meckel-Gruber syndrome. Last evaluated: 2024-03-12. Review status: criteria provided, single submitter. Criteria: Invitae Variant Classification Sherloc (09022015). Collection method: clinical testing. Allele origin: germline.

Blueprint Genetics
Classification: Likely benign. Last evaluated: 2023-06-13. Review status: criteria provided, single submitter. Criteria: ACMG Guidelines, 2015. Collection method: clinical testing. Allele origin: germline.

PreventionGenetics, part of Exact Sciences
Classification: Likely benign for TMEM67-related condition. Last evaluated: 2019-08-06. Review status: no assertion criteria provided. Collection method: clinical testing. Allele origin: germline. Not counted in ClinVar's aggregate classification.
Comment: This variant is classified as likely benign based on ACMG/AMP sequence variant interpretation guidelines (Richards et al. 2015 PMID: 25741868, with internal and published modifications).

NM_153704.6(TMEM67):c.2175T>C (p.Ala725=)

Gene: TMEM67 (transmembrane protein 67; plus strand). Cytogenetic location: 8q22.1.
Variant type: single nucleotide variant.
Coding change: c.2175T>C on transcript NM_153704.6 (MANE Select); coding-DNA position 2175, T replaced by C.
Protein change: p.Ala725=; no amino-acid change (alanine 725 retained).
Molecular consequence: synonymous variant. On other transcripts: non-coding transcript variant (1).
Genome position (GRCh38, 1-based): chr8:93,799,692, T>C. VCF-style: chr8-93799692-T-C. GRCh37 (hg19) VCF-style: chr8-94811920-T-C.
Other names: c.1932T>C, p.Ala644= (NM_001142301.1).
Identifiers: ClinVar variation 696123 (VCV000696123.14), dbSNP rs368159329, ClinGen allele CA4808220.
Genomic context (GRCh38, chr8:93,799,692, plus strand): 5'-GAACTTAGCATTAATGGACTCATCTTCTAGTCTTTCTAGAAACCCACCTAGCTACATAGC[T>C]CCTTATAGCTGCATTTTGAGATATGCAGTGTCTGCTGCTCTTTGGCTAGCCATTGGAATT-3'
Protein context (NP_714915.3, residues 715-735): SLSRNPPSYI[Ala725=]PYSCILRYAV